The following is an entry in ClinVar:

ClinVar aggregate classification (germline): Uncertain significance (1 of 4 stars; one submission).

Conditions:
Cholestanol storage disease (CTX). Also called: CEREBRAL CHOLESTERINOSIS; CTX: Cerebrotendinous xanthomatosis; Cerebrotendinous Xanthomatosis. Identifiers: Orphanet 909, MedGen C0238052, MONDO:0008948, OMIM 213700.

Allele frequency attached by ClinVar (database versions not stated): gnomAD exomes below 0.00001; TOPMed 0.00001.
gnomAD v4.1: 2 of 1,614,220 alleles (0.00012%); highest among the groups gnomAD compares: African/African-American, 0.0027%; no homozygotes.

Submission:

Labcorp Genetics (formerly Invitae), Labcorp
Classification: Uncertain significance for Cholestanol storage disease. Last evaluated: 2022-02-13. Review status: criteria provided, single submitter. Criteria: Invitae Variant Classification Sherloc (09022015). Collection method: clinical testing. Allele origin: germline.
Comment: This sequence change replaces serine, which is neutral and polar, with proline, which is neutral and non-polar, at codon 251 of the CYP27A1 protein (p.Ser251Pro). This variant is not present in population databases (gnomAD no frequency). This variant has not been reported in the literature in individuals affected with CYP27A1-related conditions. Advanced modeling of protein sequence and biophysical properties (such as structural, functional, and spatial information, amino acid conservation, physicochemical variation, residue mobility, and thermodynamic stability) performed at Invitae indicates that this missense variant is not expected to disrupt CYP27A1 protein function. In summary, the available evidence is currently insufficient to determine the role of this variant in disease. Therefore, it has been classified as a Variant of Uncertain Significance.

NM_000784.4(CYP27A1):c.751T>C (p.Ser251Pro)

Gene: CYP27A1 (cytochrome P450 family 27 subfamily A member 1; plus strand). Cytogenetic location: 2q35.
Variant type: single nucleotide variant.
Coding change: c.751T>C on transcript NM_000784.4 (MANE Select); coding-DNA position 751, T replaced by C.
Protein change: p.Ser251Pro; replaces serine 251 with proline.
Molecular consequence: missense variant.
Genome position (GRCh38, 1-based): chr2:218,812,656, T>C. VCF-style: chr2-218812656-T-C. GRCh37 (hg19) VCF-style: chr2-219677379-T-C.
Other names: short protein forms S251P.
Identifiers: ClinVar variation 2168355 (VCV002168355.1), dbSNP rs1460381043, ClinGen allele CA350586861.
Genomic context (GRCh38, chr2:218,812,656, plus strand): 5'-CGATCCATCCCCGAGGACACCGTGACCTTCGTCAGATCCATCGGGTTAATGTTCCAGAAC[T>C]CACTCTATGCCACCTTCCTCCCCAAGTGGACTCGCCCCGTGCTGCCTTTCTGGAAGCGAT-3'
Protein context (NP_000775.1, residues 241-261): VRSIGLMFQN[Ser251Pro]LYATFLPKWT